The following is an entry in ClinVar:

ClinVar aggregate classification (germline): Benign (1 of 4 stars; one submission).

gnomAD v4.1: 2,842 of 1,612,146 alleles (0.18%); highest among the groups gnomAD compares: Non-Finnish European, 0.22%; 6 homozygotes.

Submission:

CeGaT Center for Human Genetics Tuebingen
Classification: Benign. Last evaluated: 2026-05-01. Review status: criteria provided, single submitter. Criteria: CeGaT Center For Human Genetics Tuebingen Variant Classification Criteria Version 2. Collection method: clinical testing. Allele origin: germline. Affected: yes. Observed: 2 variant alleles.
Comment: KCNA3: BS1, BS2

NM_002232.5(KCNA3):c.640C>T (p.Arg214Cys)

Gene: KCNA3 (potassium voltage-gated channel subfamily A member 3; minus strand). Cytogenetic location: 1p13.3.
Variant type: single nucleotide variant.
Coding change: c.640C>T on transcript NM_002232.5 (MANE Select); coding-DNA position 640, C replaced by T.
Protein change: p.Arg214Cys; replaces arginine 214 with cysteine.
Molecular consequence: missense variant.
Genome position (GRCh38, 1-based): chr1:110,674,170, G>A on the plus strand (C>T on the coding strand, the complement: KCNA3 is on the minus strand). VCF-style: chr1-110674170-G-A. GRCh37 (hg19) VCF-style: chr1-111216792-G-A.
Other names: short protein forms R214C.
Identifiers: ClinVar variation 3777828 (VCV003777828.7).